The following is an entry in ClinVar:

NM_080680.3(COL11A2):c.1279G>C (p.Glu427Gln)

Gene: COL11A2 (collagen type XI alpha 2 chain; minus strand). Cytogenetic location: 6p21.32.
Variant type: single nucleotide variant.
Coding change: c.1279G>C on transcript NM_080680.3 (MANE Select); coding-DNA position 1279, G replaced by C.
Protein change: p.Glu427Gln; replaces glutamic acid 427 with glutamine.
Molecular consequence: missense variant.
Genome position (GRCh38, 1-based): chr6:33,180,673, C>G on the plus strand (G>C on the coding strand, the complement: COL11A2 is on the minus strand). VCF-style: chr6-33180673-C-G. GRCh37 (hg19) VCF-style: chr6-33148450-C-G.
Other names: c.1099G>C, p.Glu367Gln (NM_001424108.1); c.433G>C, p.Glu145Gln (NM_001424109.1); c.253G>C, p.Glu85Gln (NM_001424110.1, NM_001424111.1); c.958G>C, p.Glu320Gln (NM_080679.3); c.1021G>C, p.Glu341Gln (NM_080681.3); short protein forms E320Q, E367Q, E145Q, E341Q, E427Q, E85Q.
Identifiers: ClinVar variation 4767657 (VCV004767657.1).

ClinVar aggregate classification (germline): Uncertain significance (1 of 4 stars; one submission).

Submission:

Labcorp Genetics (formerly Invitae), Labcorp
Classification: Uncertain significance. Last evaluated: 2025-02-04. Review status: criteria provided, single submitter. Criteria: Invitae Variant Classification Sherloc (09022015). Collection method: clinical testing. Allele origin: germline.
Comment: This sequence change replaces glutamic acid, which is acidic and polar, with glutamine, which is neutral and polar, at codon 427 of the COL11A2 protein (p.Glu427Gln). This variant is present in population databases (rs761642063, gnomAD 0.001%). This variant has not been reported in the literature in individuals affected with COL11A2-related conditions. Invitae Evidence Modeling of protein sequence and biophysical properties (such as structural, functional, and spatial information, amino acid conservation, physicochemical variation, residue mobility, and thermodynamic stability) indicates that this missense variant is not expected to disrupt COL11A2 protein function with a negative predictive value of 95%. In summary, the available evidence is currently insufficient to determine the role of this variant in disease. Therefore, it has been classified as a Variant of Uncertain Significance.